The following is an entry in ClinVar:

ClinVar aggregate classification (germline): Likely benign (1 of 4 stars; one submission).

Allele frequency attached by ClinVar (database versions not stated): 1000 Genomes Project 0.00060; 1000 Genomes Project 30x 0.00062; TOPMed 0.00223; gnomAD 0.00245; ESP Exome Variant Server 0.00262; ExAC 0.00334; gnomAD exomes 0.00371.
gnomAD v4.1: 5,752 of 1,610,970 alleles (0.36%); highest among the groups gnomAD compares: Non-Finnish European, 0.43%; 199 homozygotes.

Submissions (11):

CeGaT Center for Human Genetics Tuebingen
Classification: Likely benign. Last evaluated: 2022-06-01. Review status: criteria provided, single submitter. Criteria: CeGaT Center For Human Genetics Tuebingen Variant Classification Criteria Version 2. Collection method: clinical testing. Allele origin: germline. Affected: yes. Observed: 2 variant alleles.
Comment: CYP2D6: BP4, BP7

Dr. Peter K. Rogan Lab, Western University
No classification provided (evidence only). Condition: Lung cancer. Review status: no classification provided. Collection method: in vitro. Allele origin: not applicable. Functional consequence: retained intron. Not counted in ClinVar's aggregate classification.

Dr. Peter K. Rogan Lab, Western University
No classification provided (evidence only). Condition: Lung cancer. Review status: no classification provided. Collection method: in vitro. Allele origin: not applicable. Functional consequence: skipped exon. Not counted in ClinVar's aggregate classification.

Dr. Peter K. Rogan Lab, Western University
No classification provided (evidence only). Condition: Lung cancer. Review status: no classification provided. Collection method: in vitro. Allele origin: not applicable. Functional consequence: retained intron. Not counted in ClinVar's aggregate classification.

Dr. Peter K. Rogan Lab, Western University
No classification provided (evidence only). Condition: Familial cancer of breast. Review status: no classification provided. Collection method: in vitro. Allele origin: not applicable. Functional consequence: skipped exon. Not counted in ClinVar's aggregate classification.

Dr. Peter K. Rogan Lab, Western University
No classification provided (evidence only). Condition: Familial cancer of breast. Review status: no classification provided. Collection method: in vitro. Allele origin: not applicable. Functional consequence: skipped exon. Not counted in ClinVar's aggregate classification.

Dr. Peter K. Rogan Lab, Western University
No classification provided (evidence only). Condition: Colorectal cancer. Review status: no classification provided. Collection method: in vitro. Allele origin: not applicable. Functional consequence: skipped exon. Not counted in ClinVar's aggregate classification.

Dr. Peter K. Rogan Lab, Western University
No classification provided (evidence only). Condition: Glioma susceptibility 1. Review status: no classification provided. Collection method: in vitro. Allele origin: not applicable. Functional consequence: skipped exon. Not counted in ClinVar's aggregate classification.

Dr. Peter K. Rogan Lab, Western University
No classification provided (evidence only). Condition: Malignant lymphoma, large B-cell, diffuse. Review status: no classification provided. Collection method: in vitro. Allele origin: not applicable. Functional consequence: skipped exon. Not counted in ClinVar's aggregate classification.

Dr. Peter K. Rogan Lab, Western University
No classification provided (evidence only). Condition: Cholangiocarcinoma. Review status: no classification provided. Collection method: in vitro. Allele origin: not applicable. Functional consequence: skipped exon. Not counted in ClinVar's aggregate classification.

Dr. Peter K. Rogan Lab, Western University
No classification provided (evidence only). Condition: Malignant tumor of esophagus. Review status: no classification provided. Collection method: in vitro. Allele origin: not applicable. Functional consequence: skipped exon. Not counted in ClinVar's aggregate classification.

NM_000106.6(CYP2D6):c.975G>A (p.Pro325=)

Gene: CYP2D6 (cytochrome P450 family 2 subfamily D member 6 (gene/pseudogene); minus strand). Cytogenetic location: 22q13.2.
Variant type: single nucleotide variant.
Coding change: c.975G>A on transcript NM_000106.6 (MANE Select); coding-DNA position 975, G replaced by A.
Protein change: p.Pro325=; no amino-acid change (proline 325 retained).
Molecular consequence: synonymous variant.
Genome position (GRCh38, 1-based): chr22:42,127,852, C>T on the plus strand (G>A on the coding strand, the complement: CYP2D6 is on the minus strand). VCF-style: chr22-42127852-C-T. GRCh37 (hg19) VCF-style: chr22-42523854-C-T.
Other names: c.822G>A, p.Pro274= (NM_001025161.3); c.975G>A (NM_000106.5).
Identifiers: ClinVar variation 2653240 (VCV002653240.25), dbSNP rs79292917, ClinGen allele CA10264755.